The following is an entry in ClinVar:

NM_001080467.3(MYO5B):c.1405-5C>G

Gene: MYO5B (myosin VB; minus strand). Cytogenetic location: 18q21.1.
Variant type: single nucleotide variant.
Coding change: c.1405-5C>G on transcript NM_001080467.3 (MANE Select); 5 bases into the intron before coding-DNA position 1405, C replaced by G.
Molecular consequence: intron variant.
Genome position (GRCh38, 1-based): chr18:49,962,411, G>C on the plus strand (C>G on the coding strand, the complement: MYO5B is on the minus strand). VCF-style: chr18-49962411-G-C. GRCh37 (hg19) VCF-style: chr18-47488781-G-C.
Other names: c.1405-5C>G (NM_001080467.2).
Identifiers: ClinVar variation 1935665 (VCV001935665.6), dbSNP rs370112207, ClinGen allele CA8961525.

ClinVar aggregate classification (germline): Likely benign. Review status: criteria provided, multiple submitters, no conflicts (2 of 4 stars). 2 submissions from 2 submitters: Likely benign (2). Last evaluated 2025-09-30.

Conditions:
MYO5B-related disorder. Also called: MYO5B-related condition.

Allele frequency attached by ClinVar (database versions not stated): ExAC 0.00002; ESP Exome Variant Server 0.00008.
gnomAD v4.1: 14 of 1,613,914 alleles (0.00087%); highest among the groups gnomAD compares: African/African-American, 0.017%; no homozygotes.

Submissions (2):

PreventionGenetics, part of Exact Sciences
Classification: Likely benign for MYO5B-related condition. Last evaluated: 2025-09-30. Review status: criteria provided, single submitter. Criteria: ACMG Guidelines, 2015. Collection method: clinical testing. Allele origin: germline.
Comment: This variant is classified as likely benign based on ACMG/AMP sequence variant interpretation guidelines (Richards et al. 2015 PMID: 25741868, with internal and published modifications).

Labcorp Genetics (formerly Invitae), Labcorp
Classification: Likely benign. Last evaluated: 2025-04-23. Review status: criteria provided, single submitter. Criteria: Invitae Variant Classification Sherloc (09022015). Collection method: clinical testing. Allele origin: germline.